The following is an entry in ClinVar:

NM_144573.4(NEXN):c.857G>A (p.Arg286Gln)

Gene: NEXN (nexilin F-actin binding protein; plus strand). Cytogenetic location: 1p31.1.
Variant type: single nucleotide variant.
Coding change: c.857G>A on transcript NM_144573.4 (MANE Select); coding-DNA position 857, G replaced by A.
Protein change: p.Arg286Gln; replaces arginine 286 with glutamine.
Molecular consequence: missense variant.
Genome position (GRCh38, 1-based): chr1:77,926,885, G>A. VCF-style: chr1-77926885-G-A. GRCh37 (hg19) VCF-style: chr1-78392570-G-A.
Other names: c.665G>A, p.Arg222Gln (NM_001172309.2); short protein forms R222Q, R286Q.
Identifiers: ClinVar variation 645036 (VCV000645036.13), dbSNP rs910594117, ClinGen allele CA24678914.

ClinVar aggregate classification (germline): Conflicting classifications of pathogenicity. Review status: criteria provided, conflicting classifications (1 of 4 stars). 5 submissions from 5 submitters: Uncertain significance (4); Likely benign (1). Last evaluated 2026-06-25.

Conditions:
Dilated cardiomyopathy 1CC (CMD1CC). Identifiers: Orphanet 154, MedGen C2751084, MONDO:0013147, OMIM 613122.
NEXN-related disorder. Also called: NEXN-related condition; NEXN-related disorders.
Cardiovascular phenotype. Identifiers: MedGen CN230736.
Hypertrophic cardiomyopathy 20. Identifiers: MedGen C3151267, MONDO:0013477, OMIM 613876.

Allele frequency attached by ClinVar (database versions not stated): TOPMed below 0.00001; gnomAD exomes 0.00001; gnomAD 0.00003.

Submissions (5):

Ambry Genetics
Classification: Likely benign for Cardiovascular phenotype. Last evaluated: 2026-06-25. Review status: criteria provided, single submitter. Criteria: Ambry Variant Classification Scheme 2023. Collection method: clinical testing. Allele origin: germline.

PreventionGenetics, part of Exact Sciences
Classification: Uncertain significance for NEXN-related condition. Last evaluated: 2026-02-15. Review status: criteria provided, single submitter. Criteria: ACMG Guidelines, 2015. Collection method: clinical testing. Allele origin: germline.
Comment: The NEXN c.857G>A variant is predicted to result in the amino acid substitution p.Arg286Gln. To our knowledge, this variant has not been reported in the literature. This variant is reported in 0.0057% of alleles in individuals of Latino descent in gnomAD. At this time, the clinical significance of this variant is uncertain due to the absence of conclusive functional and genetic evidence.

Labcorp Genetics (formerly Invitae), Labcorp
Classification: Uncertain significance for Dilated cardiomyopathy 1CC; Hypertrophic cardiomyopathy 20. Last evaluated: 2025-03-30. Review status: criteria provided, single submitter. Criteria: Invitae Variant Classification Sherloc (09022015). Collection method: clinical testing. Allele origin: germline.
Comment: This sequence change replaces arginine, which is basic and polar, with glutamine, which is neutral and polar, at codon 286 of the NEXN protein (p.Arg286Gln). This variant is present in population databases (no rsID available, gnomAD 0.006%). This variant has not been reported in the literature in individuals affected with NEXN-related conditions. ClinVar contains an entry for this variant (Variation ID: 645036). Invitae Evidence Modeling of protein sequence and biophysical properties (such as structural, functional, and spatial information, amino acid conservation, physicochemical variation, residue mobility, and thermodynamic stability) indicates that this missense variant is not expected to disrupt NEXN protein function with a negative predictive value of 80%. In summary, the available evidence is currently insufficient to determine the role of this variant in disease. Therefore, it has been classified as a Variant of Uncertain Significance.

Fulgent Genetics
Classification: Uncertain significance for Dilated cardiomyopathy 1CC; Hypertrophic cardiomyopathy 20. Last evaluated: 2021-10-12. Review status: criteria provided, single submitter. Criteria: ACMG Guidelines, 2015. Collection method: clinical testing. Allele origin: unknown.

Victorian Clinical Genetics Services, Murdoch Childrens Research Institute
Classification: Uncertain significance for Dilated cardiomyopathy 1CC. Last evaluated: 2020-06-11. Review status: criteria provided, single submitter. Criteria: ACMG Guidelines, 2015. Collection method: clinical testing. Allele origin: germline. Inheritance: Autosomal dominant inheritance. Affected: yes.
Comment: Based on the classification scheme VCGS_Germline_v1.1.1, this variant is classified as 3C-VUS. Following criteria are met: 0102 - Loss-of-function is a known mechanism of disease for this gene. (N) 0107 - This gene is known to be associated with autosomal dominant disease. (N) 0200 - Variant is predicted to result in a missense amino acid change from arginine to glutamine (exon 8). (N) 0251 - Variant is heterozygous. (N) 0302 - Variant is present in gnomAD <0.001 for a dominant condition (3 heterozygotes, 0 homozygotes). (P) 0309 - An alternative amino acid change at the same position to tryptophan has been observed in gnomAD (35 heterozygotes, 0 homozygotes). (N) 0503 - Missense variant consistently predicted to be tolerated or not conserved in mammals with a minor amino acid change. (B) 0604 - Variant is not located in an established domain, motif, hotspot or informative constraint region. (N) 0710 - Comparable variants have some previous evidence for being benign. A different variant in the same codon resulting in a change to a tryptophan has been reported as a VUS but more recently as likely benign (ClinVar, PMID: 28798025). (B) 0804 - Variant has previously been described as variant of uncertain significance in ClinVar. (N) 0905 - No segregation evidence has been identified for this variant. (N) 1007 - No published functional evidence has been identified for this variant. (N) 1208 - Inheritance information for this variant is not currently available. (N) Legend: (P) - Pathogenic, (N) - Neutral, (B) - Benign

Literature cited by the submitters: PubMed 28798025 (cited by Victorian Clinical Genetics Services, Murdoch Childrens Research Institute).